The following is an entry in ClinVar:

NM_000085.5(CLCNKB):c.747G>A (p.Met249Ile)

Genes: CLCNKB (chloride voltage-gated channel Kb; plus strand), LOC106501713 (CLCNKB recombination region; plus strand). Cytogenetic location: 1p36.13.
Variant type: single nucleotide variant.
Coding change: c.747G>A on transcript NM_000085.5 (MANE Select); coding-DNA position 747, G replaced by A.
Protein change: p.Met249Ile; replaces methionine 249 with isoleucine.
Molecular consequence: missense variant.
Genome position (GRCh38, 1-based): chr1:16,049,211, G>A. VCF-style: chr1-16049211-G-A. GRCh37 (hg19) VCF-style: chr1-16375706-G-A.
Other names: c.240G>A, p.Met80Ile (NM_001165945.2); short protein forms M249I, M80I.
Identifiers: ClinVar variation 1438009 (VCV001438009.6), dbSNP rs745782009, ClinGen allele CA623490.

ClinVar aggregate classification (germline): Uncertain significance. Review status: criteria provided, multiple submitters, no conflicts (2 of 4 stars). 3 submissions from 3 submitters: Uncertain significance (3). Last evaluated 2024-05-03.

Conditions:
Bartter disease type 4B. Also called: Bartter syndrome, type 4b, digenic; BARTTER SYNDROME, TYPE 4B; BARTTER SYNDROME, TYPE 4B, NEONATAL, WITH SENSORINEURAL DEAFNESS. Identifiers: Orphanet 112, MedGen C4310805, MONDO:0000909, OMIM 613090.
Bartter disease type 3. Also called: Bartter syndrome type 3. Identifiers: Orphanet 112, Orphanet 93605, MedGen C1846343, MONDO:0011822, OMIM 607364.

Allele frequency attached by ClinVar (database versions not stated): gnomAD 0.00009; ExAC 0.00014; gnomAD exomes 0.00014.

Submissions (3):

Fulgent Genetics
Classification: Uncertain significance for Bartter disease type 3; Bartter disease type 4B. Last evaluated: 2024-05-03. Review status: criteria provided, single submitter. Criteria: ACMG Guidelines, 2015. Collection method: clinical testing. Allele origin: germline.

Labcorp Genetics (formerly Invitae), Labcorp
Classification: Uncertain significance. Last evaluated: 2022-05-27. Review status: criteria provided, single submitter. Criteria: Invitae Variant Classification Sherloc (09022015). Collection method: clinical testing. Allele origin: germline.
Comment: This sequence change replaces methionine, which is neutral and non-polar, with isoleucine, which is neutral and non-polar, at codon 249 of the CLCNKB protein (p.Met249Ile). The frequency data for this variant in the population databases is considered unreliable, as metrics indicate poor data quality at this position in the gnomAD database. This variant has not been reported in the literature in individuals affected with CLCNKB-related conditions. Advanced modeling of protein sequence and biophysical properties (such as structural, functional, and spatial information, amino acid conservation, physicochemical variation, residue mobility, and thermodynamic stability) performed at Invitae indicates that this missense variant is not expected to disrupt CLCNKB protein function. In summary, the available evidence is currently insufficient to determine the role of this variant in disease. Therefore, it has been classified as a Variant of Uncertain Significance.

Breakthrough Genomics
Classification: Uncertain significance. Review status: criteria provided, single submitter. Criteria: ACMG Guidelines, 2015. Collection method: not provided. Allele origin: germline. Inheritance: Autosomal recessive inheritance. Affected: yes.